The following is an entry in ClinVar:

NM_000388.4(CASR):c.2705T>C (p.Leu902Pro)

Gene: CASR (calcium sensing receptor; plus strand). Cytogenetic location: 3q21.1.
Variant type: single nucleotide variant.
Coding change: c.2705T>C on transcript NM_000388.4 (MANE Select); coding-DNA position 2705, T replaced by C.
Protein change: p.Leu902Pro; replaces leucine 902 with proline.
Molecular consequence: missense variant.
Genome position (GRCh38, 1-based): chr3:122,284,659, T>C. VCF-style: chr3-122284659-T-C. GRCh37 (hg19) VCF-style: chr3-122003506-T-C.
Other names: c.2735T>C, p.Leu912Pro (NM_001178065.2); short protein forms L902P, L912P.
Identifiers: ClinVar variation 3231550 (VCV003231550.1), dbSNP rs2473281508, ClinGen allele CA354160595.

ClinVar aggregate classification (germline): Uncertain significance (1 of 4 stars; one submission).

Conditions:
Nephrolithiasis/nephrocalcinosis. Identifiers: MedGen CN580796.

Submission:

Ambry Genetics
Classification: Uncertain significance for Nephrolithiasis/nephrocalcinosis. Last evaluated: 2023-05-06. Review status: criteria provided, single submitter. Criteria: Ambry Variant Classification Scheme 2023. Collection method: clinical testing. Allele origin: germline.
Comment: The p.L902P variant (also known as c.2705T>C), located in coding exon 6 of the CASR gene, results from a T to C substitution at nucleotide position 2705. The leucine at codon 902 is replaced by proline, an amino acid with similar properties. This amino acid position is conserved. In addition, the in silico prediction for this alteration is inconclusive. Since supporting evidence is limited at this time, the clinical significance of this alteration remains unclear.